The following is an entry in ClinVar:

ClinVar aggregate classification (germline): Uncertain significance (1 of 4 stars; one submission).

Submission:

GeneDx
Classification: Uncertain significance. Last evaluated: 2023-10-12. Review status: criteria provided, single submitter. Criteria: GeneDx Variant Classification Process June 2021. Collection method: clinical testing. Allele origin: germline. Affected: yes.
Comment: Not observed at significant frequency in large population cohorts (gnomAD); Missense variants in this gene are a common cause of disease and they are underrepresented in the general population; In silico analysis supports that this missense variant does not alter protein structure/function; Has not been previously published as pathogenic or benign to our knowledge; In silico analysis suggests this variant may impact gene splicing. In the absence of RNA/functional studies, the actual effect of this sequence change is unknown.

NM_006306.4(SMC1A):c.2715G>A (p.Met905Ile)

Gene: SMC1A (structural maintenance of chromosomes 1A; minus strand). Cytogenetic location: Xp11.22.
Variant type: single nucleotide variant.
Coding change: c.2715G>A on transcript NM_006306.4 (MANE Select); coding-DNA position 2715, G replaced by A.
Protein change: p.Met905Ile; replaces methionine 905 with isoleucine.
Molecular consequence: missense variant.
Genome position (GRCh38, 1-based): chrX:53,396,374, C>T on the plus strand (G>A on the coding strand, the complement: SMC1A is on the minus strand). VCF-style: chrX-53396374-C-T. GRCh37 (hg19) VCF-style: chrX-53423294-C-T.
Other names: c.2649G>A, p.Met883Ile (NM_001281463.1); short protein forms M883I, M905I.
Identifiers: ClinVar variation 3253365 (VCV003253365.1), dbSNP rs2520891691.